The following is an entry in ClinVar:

NM_000268.4(NF2):c.113A>C (p.Glu38Ala)

Gene: NF2 (NF2, moesin-ezrin-radixin like (MERLIN) tumor suppressor; plus strand). Cytogenetic location: 22q12.2.
Variant type: single nucleotide variant.
Coding change: c.113A>C on transcript NM_000268.4 (MANE Select); coding-DNA position 113, A replaced by C.
Protein change: p.Glu38Ala; replaces glutamic acid 38 with alanine.
Molecular consequence: missense variant. On other transcripts: 5 prime UTR variant (4), non-coding transcript variant (1).
Genome position (GRCh38, 1-based): chr22:29,604,111, A>C. VCF-style: chr22-29604111-A-C. GRCh37 (hg19) VCF-style: chr22-30000100-A-C.
Other names: c.-118A>C (NM_001407053.1, NM_001407056.1); c.113A>C, p.Glu38Ala (NM_001407054.1, NM_001407055.1, NM_001407057.1 and 15 more transcripts); c.-528A>C (NM_001407065.1); c.-144A>C (NM_001407067.1); short protein forms E38A.
Identifiers: ClinVar variation 3404991 (VCV003404991.2).

ClinVar aggregate classification (germline): Conflicting classifications of pathogenicity. Review status: criteria provided, conflicting classifications (1 of 4 stars). 2 submissions from 2 submitters: Likely pathogenic (1); Uncertain significance (1). Last evaluated 2026-01-16.

Conditions:
Neurofibromatosis, type 2 (SWNV). Also called: NF2-Related Schwannomatosis; BILATERAL ACOUSTIC NEUROFIBROMATOSIS; SCHWANNOMATOSIS, VESTIBULAR. Identifiers: Orphanet 637, MedGen C0027832, MONDO:0007039, OMIM 101000. Disease mechanism: loss of function.
Hereditary cancer-predisposing syndrome. Also called: Tumor predisposition; Hereditary Cancer Syndrome; Hereditary neoplastic syndrome; Neoplastic Syndromes, Hereditary. Identifiers: Orphanet 140162, MedGen C0027672, MeSH D009386, MONDO:0015356.

Submissions (2):

Labcorp Genetics (formerly Invitae), Labcorp
Classification: Uncertain significance for Neurofibromatosis, type 2. Last evaluated: 2026-01-16. Review status: criteria provided, single submitter. Criteria: Invitae Variant Classification Sherloc (09022015). Collection method: clinical testing. Allele origin: germline.
Comment: This sequence change replaces glutamic acid, which is acidic and polar, with alanine, which is neutral and non-polar, at codon 38 of the NF2 protein (p.Glu38Ala). This variant is not present in population databases (gnomAD no frequency). This missense change has been observed in individual(s) with clinical features of NF2-related conditions (internal data). ClinVar contains an entry for this variant (Variation ID: 3404991). An algorithm developed to predict the effect of missense changes on protein structure and function (PolyPhen-2) suggests that this variant is likely to be disruptive. Algorithms developed to predict the effect of sequence changes on RNA splicing suggest that this variant may disrupt the consensus splice site. This variant disrupts the p.Glu38 amino acid residue in NF2. Other variant(s) that disrupt this residue have been observed in individuals with NF2-related conditions (PMID: 8751853), which suggests that this may be a clinically significant amino acid residue. In summary, the available evidence is currently insufficient to determine the role of this variant in disease. Therefore, it has been classified as a Variant of Uncertain Significance.

Ambry Genetics
Classification: Likely pathogenic for Hereditary cancer-predisposing syndrome. Last evaluated: 2024-08-27. Review status: criteria provided, single submitter. Criteria: Ambry Variant Classification Scheme 2023. Collection method: clinical testing. Allele origin: germline.
Comment: The c.113A>C variant (also known as p.E38A), located in coding exon 1 of the NF2 gene, results from an A to C substitution at nucleotide position 113. This variant has been observed in at least one individual with a personal and/or family history that is consistent with NF2-related schwannomatosis (Ambry internal data). This nucleotide position is highly conserved in available vertebrate species. In silico splice site analysis predicts that this alteration may weaken the native splice donor site and may result in the creation or strengthening of a novel splice donor site. RNA studies have demonstrated that this alteration results in abnormal splicing in the set of samples tested (Ambry internal data). Based on the majority of available evidence to date, this variant is likely to be pathogenic.

Literature cited by the submitters: PubMed 8751853 (cited by Labcorp Genetics (formerly Invitae), Labcorp).